The following is an entry in ClinVar:

NM_017934.7(PHIP):c.4664T>G (p.Leu1555Trp)

Genes: IRAK1BP1 (interleukin 1 receptor associated kinase 1 binding protein 1; plus strand), PHIP (PHIP subunit of CUL4-Ring ligase complex; minus strand). Cytogenetic location: 6q14.1.
Variant type: single nucleotide variant.
Coding change: c.4664T>G on transcript NM_017934.7 (MANE Select); coding-DNA position 4664, T replaced by G.
Protein change: p.Leu1555Trp; replaces leucine 1555 with tryptophan.
Molecular consequence: missense variant.
Genome position (GRCh38, 1-based): chr6:78,945,464, A>C on the plus strand (T>G on the coding strand, the complement: PHIP is on the minus strand). VCF-style: chr6-78945464-A-C. GRCh37 (hg19) VCF-style: chr6-79655181-A-C.
Other names: short protein forms L1555W.
Identifiers: ClinVar variation 3058863 (VCV003058863.2), dbSNP rs2481789622, ClinGen allele CA364635568.

ClinVar aggregate classification (germline): Uncertain significance (0 of 4 stars; one submission).

Conditions:
PHIP-related disorder. Also called: PHIP-related disorders; PHIP-related condition.

Allele frequency attached by ClinVar (database versions not stated): gnomAD exomes below 0.00001.
gnomAD v4.1: 1 of 1,610,224 alleles (0.000062%); highest among the groups gnomAD compares: Non-Finnish European, 0.000085%; no homozygotes.

Submission:

PreventionGenetics, part of Exact Sciences
Classification: Uncertain significance for PHIP-related condition. Last evaluated: 2023-12-06. Review status: no assertion criteria provided. Collection method: clinical testing. Allele origin: germline.
Comment: The PHIP c.4664T>G variant is predicted to result in the amino acid substitution p.Leu1555Trp. To our knowledge, this variant has not been reported in the literature or in a large population database, indicating it is very rare. At this time, the clinical significance of this variant is uncertain due to the absence of conclusive functional and genetic evidence.